The following is an entry in ClinVar:

ClinVar aggregate classification (germline): Uncertain significance (1 of 4 stars; one submission).

Conditions:
Immunodeficiency 132A. Also called: Herpes simplex encephalitis, susceptibility to, 3. Identifiers: Orphanet 1930, MedGen C3553868, MONDO:0013920, OMIM 614849.

Allele frequency attached by ClinVar (database versions not stated): gnomAD exomes below 0.00001.

Submission:

Labcorp Genetics (formerly Invitae), Labcorp
Classification: Uncertain significance for Immunodeficiency 132A. Last evaluated: 2023-02-21. Review status: criteria provided, single submitter. Criteria: Invitae Variant Classification Sherloc (09022015). Collection method: clinical testing. Allele origin: germline.
Comment: An algorithm developed to predict the effect of missense changes on protein structure and function (PolyPhen-2) suggests that this variant is likely to be disruptive. This sequence change replaces glycine, which is neutral and non-polar, with arginine, which is basic and polar, at codon 464 of the TRAF3 protein (p.Gly464Arg). This variant is not present in population databases (gnomAD no frequency). This variant has not been reported in the literature in individuals affected with TRAF3-related conditions. In summary, the available evidence is currently insufficient to determine the role of this variant in disease. Therefore, it has been classified as a Variant of Uncertain Significance.

NM_145725.3(TRAF3):c.1390G>A (p.Gly464Arg)

Gene: TRAF3 (TNF receptor associated factor 3; plus strand). Cytogenetic location: 14q32.32.
Variant type: single nucleotide variant.
Coding change: c.1390G>A on transcript NM_145725.3 (MANE Select); coding-DNA position 1390, G replaced by A.
Protein change: p.Gly464Arg; replaces glycine 464 with arginine.
Molecular consequence: missense variant.
Genome position (GRCh38, 1-based): chr14:102,905,467, G>A. VCF-style: chr14-102905467-G-A. GRCh37 (hg19) VCF-style: chr14-103371804-G-A.
Other names: c.1141G>A, p.Gly381Arg (NM_001199427.2); c.1249G>A, p.Gly417Arg (NM_001385142.1); c.1309G>A, p.Gly437Arg (NM_001385143.1); c.1390G>A, p.Gly464Arg (NM_003300.4); c.1315G>A, p.Gly439Arg (NM_145726.3); short protein forms G381R, G417R, G437R, G439R, G464R.
Identifiers: ClinVar variation 1924720 (VCV001924720.5), dbSNP rs2542634029, ClinGen allele CA391076738.